The following is an entry in ClinVar:

ClinVar aggregate classification (germline): Uncertain significance. Review status: criteria provided, multiple submitters, no conflicts (2 of 4 stars). 4 submissions from 4 submitters: Uncertain significance (3). 1 of the submissions does not count toward it. Last evaluated 2022-12-25.

Conditions:
NOTCH3-related disorder. Also called: NOTCH3-related disorders; NOTCH3-related condition.
Cerebral arteriopathy, autosomal dominant, with subcortical infarcts and leukoencephalopathy, type 1 (CADASIL1). Also called: CADASIL 1; CASIL; Cerebral arteriopathy with subcortical infarcts and leukoencephalopathy 1; DEMENTIA, HEREDITARY MULTIINFARCT TYPE. Identifiers: Orphanet 136, MedGen C4551768, MONDO:0000914, OMIM 125310.

gnomAD v4.1: 24 of 1,550,766 alleles (0.0015%); highest among the groups gnomAD compares: African/African-American, 0.029%; no homozygotes.

Submissions (4):

Labcorp Genetics (formerly Invitae), Labcorp
Classification: Uncertain significance. Last evaluated: 2022-12-25. Review status: criteria provided, single submitter. Criteria: Invitae Variant Classification Sherloc (09022015). Collection method: clinical testing. Allele origin: germline.
Comment: Advanced modeling of protein sequence and biophysical properties (such as structural, functional, and spatial information, amino acid conservation, physicochemical variation, residue mobility, and thermodynamic stability) performed at Invitae indicates that this missense variant is not expected to disrupt NOTCH3 protein function. In summary, the available evidence is currently insufficient to determine the role of this variant in disease. Therefore, it has been classified as a Variant of Uncertain Significance. ClinVar contains an entry for this variant (Variation ID: 1325600). This variant has not been reported in the literature in individuals affected with NOTCH3-related conditions. This variant is present in population databases (rs150338460, gnomAD 0.006%). This sequence change replaces glycine, which is neutral and non-polar, with arginine, which is basic and polar, at codon 917 of the NOTCH3 protein (p.Gly917Arg).

Athena Diagnostics
Classification: Uncertain significance. Last evaluated: 2021-10-20. Review status: criteria provided, single submitter. Criteria: Athena Diagnostics Criteria. Collection method: clinical testing. Allele origin: unknown.

New York Genome Center
Classification: Uncertain significance for Cerebral arteriopathy, autosomal dominant, with subcortical infarcts and leukoencephalopathy, type 1. Last evaluated: 2020-06-01. Review status: criteria provided, single submitter. Criteria: NYGC Assertion Criteria 2020. Collection method: clinical testing. Allele origin: germline. Observed: 1 heterozygote. Study: CSER-NYCKidSeq.

PreventionGenetics, part of Exact Sciences
Classification: Uncertain significance for NOTCH3-related condition. Last evaluated: 2024-07-03. Review status: no assertion criteria provided. Collection method: clinical testing. Allele origin: germline. Not counted in ClinVar's aggregate classification.
Comment: The NOTCH3 c.2749G>A variant is predicted to result in the amino acid substitution p.Gly917Arg. To our knowledge, this variant has not been reported in the literature. This variant is reported in 0.0059% of alleles in individuals of African descent in gnomAD. At this time, the clinical significance of this variant is uncertain due to the absence of conclusive functional and genetic evidence.

NM_000435.3(NOTCH3):c.2749G>A (p.Gly917Arg)

Gene: NOTCH3 (notch receptor 3; minus strand). Cytogenetic location: 19p13.12.
Variant type: single nucleotide variant.
Coding change: c.2749G>A on transcript NM_000435.3 (MANE Select); coding-DNA position 2749, G replaced by A.
Protein change: p.Gly917Arg; replaces glycine 917 with arginine.
Molecular consequence: missense variant.
Genome position (GRCh38, 1-based): chr19:15,181,619, C>T on the plus strand (G>A on the coding strand, the complement: NOTCH3 is on the minus strand). VCF-style: chr19-15181619-C-T. GRCh37 (hg19) VCF-style: chr19-15292430-C-T.
Other names: short protein forms G917R.
Identifiers: ClinVar variation 1325600 (VCV001325600.6), dbSNP rs150338460, ClinGen allele CA9263285.